The following is an entry in ClinVar:

ClinVar aggregate classification (germline): Conflicting classifications of pathogenicity. Review status: criteria provided, conflicting classifications (1 of 4 stars). 16 submissions from 16 submitters: Uncertain significance (11); Likely benign (3). 2 of the submissions do not count toward it. Last evaluated 2026-05-19.

Conditions:
Cardiovascular phenotype. Identifiers: MedGen CN230736.
Arrhythmogenic right ventricular cardiomyopathy (ARVD). Also called: Cardiomyopathy, ARVC; Arrhythmogenic Right Ventricular Cardiomyopathy (ARVC); Arrhythmogenic right ventricular dysplasia; Arrhythmogenic cardiomyopathy. Identifiers: Orphanet 247, MedGen C0349788, MeSH D019571, MONDO:0016587. Disease mechanism: loss of function. Inheritance: Various modes of inheritance.
Cardiomyopathy (CMYO). Also called: Cardiomyopathies. Identifiers: Orphanet 167848, MedGen C0878544, MONDO:0004994, HP:0001638. Inheritance: Various modes of inheritance.
Arrhythmogenic right ventricular dysplasia 9 (ARVD9). Also called: Arrhythmogenic Right Ventricular Dysplasia/Cardiomyopathy 9; ARRHYTHMOGENIC RIGHT VENTRICULAR DYSPLASIA, FAMILIAL, 9. Identifiers: MedGen C1836906, MONDO:0012180, OMIM 609040.

Allele frequency attached by ClinVar (database versions not stated): gnomAD exomes 0.00013; ExAC 0.00015; gnomAD 0.00015 and 0.00016; 1000 Genomes Project 30x 0.00016; TOPMed 0.00018; 1000 Genomes Project 0.00020.

Submissions (16):

Women's Health and Genetics/Laboratory Corporation of America, LabCorp
Classification: Uncertain significance. Last evaluated: 2026-05-19. Review status: criteria provided, single submitter. Criteria: LabCorp Variant Classification Summary - May 2015. Collection method: clinical testing. Allele origin: germline.
Comment: Variant summary: PKP2 c.2083C>T (p.Arg695Cys) results in a non-conservative amino acid change in the encoded protein sequence. Algorithms developed to predict the effect of missense changes on protein structure and function all suggest that this variant is likely to be disruptive. The variant allele was found at a frequency of 0.00013 in 251388 control chromosomes, predominantly at a frequency of 0.00026 within the South Asian subpopulation in the gnomAD database. The available data on variant occurrences in the general population are insufficient to allow any conclusion about variant significance. c.2083C>T has been observed in individuals affected with various cardiac phenotypes, including ARVC (Adler_2016), Brugada syndrome (Di Resta_2015), dilated cardiomyopathy (Forleo_2017, vanderMeulen_2022) and sudden infant death syndrome (SIDS) (Neubauer_2017), however it was also found in healthy controls (Kapplinger_2011, Narang_2020). These reports do not provide unequivocal conclusions about association of the variant with disease. To our knowledge, no experimental evidence demonstrating an impact on protein function has been reported. The following publications have been ascertained in the context of this evaluation (PMID: 26743238, 26220970, 28750076, 21636032, 32906206, 28074886, 36178741). ClinVar contains an entry for this variant (Variation ID: 45056). Based on the evidence outlined above, the variant was classified as uncertain significance.

Labcorp Genetics (formerly Invitae), Labcorp
Classification: Uncertain significance for Arrhythmogenic right ventricular dysplasia 9. Last evaluated: 2026-01-19. Review status: criteria provided, single submitter. Criteria: Invitae Variant Classification Sherloc (09022015). Collection method: clinical testing. Allele origin: germline.
Comment: This sequence change replaces arginine, which is basic and polar, with cysteine, which is neutral and slightly polar, at codon 695 of the PKP2 protein (p.Arg695Cys). This variant is present in population databases (rs199583774, gnomAD 0.04%). This missense change has been observed in individual(s) with clinical features of PKP2-related conditions (PMID: 26220970, 26743238, 28074886, 28750076, 33552729, 36178741). This variant is also known as c.C1951T (p.R651C). ClinVar contains an entry for this variant (Variation ID: 45056). An algorithm developed to predict the effect of missense changes on protein structure and function (PolyPhen-2) suggests that this variant is likely to be disruptive. In summary, the available evidence is currently insufficient to determine the role of this variant in disease. Therefore, it has been classified as a Variant of Uncertain Significance.

Molecular Diagnostic Laboratory for Inherited Cardiovascular Disease, Montreal Heart Institute
Classification: Likely benign. Last evaluated: 2025-04-09. Review status: criteria provided, single submitter. Criteria: ACMG Guidelines, 2015. Collection method: clinical testing. Allele origin: germline. Affected: no.
Comment: BS1;BS2;BP4

Color Diagnostics, LLC DBA Color Health
Classification: Likely benign for Cardiomyopathy. Last evaluated: 2024-12-12. Review status: criteria provided, single submitter. Criteria: ACMG Guidelines, 2015. Collection method: clinical testing. Allele origin: germline.

Blueprint Genetics
Classification: Likely benign. Last evaluated: 2024-10-24. Review status: criteria provided, single submitter. Criteria: ACMG Guidelines, 2015. Collection method: clinical testing. Allele origin: germline.

All of Us Research Program, National Institutes of Health
Classification: Uncertain significance for Arrhythmogenic right ventricular cardiomyopathy. Last evaluated: 2024-09-23. Review status: criteria provided, single submitter. Criteria: ACMG Guidelines, 2015. Collection method: clinical testing. Allele origin: germline. Inheritance: Autosomal dominant inheritance. Observed: 56 variant alleles, 56 heterozygotes.
Comment: This missense variant replaces arginine with cysteine at codon 695 of the PKP2 protein. Computational prediction is inconclusive regarding the impact of this variant on protein structure and function (internally defined REVEL score threshold 0.5 < inconclusive < 0.7, PMID: 27666373). To our knowledge, functional studies have not been reported for this variant. This variant has been reported in three related individuals affected with arrhythmogenic right ventricular cardiomyopathy (PMID: 26743238), one individual affected with dilated cardiomyopathy (PMID: 28750076), and one individual affected with idiopathic ventricular tachycardia (PMID: 33552729). This variant has also been identified in 36/282782 chromosomes in the general population by the Genome Aggregation Database (gnomAD). The available evidence is insufficient to determine the role of this variant in disease conclusively. Therefore, this variant is classified as a Variant of Uncertain Significance.

This study involves interpretation of variants in research participants for the purpose of population health screening. Participant phenotype was not available at the time of variant classification. Additional details can be found in publication PMID: 35346344, PMCID: PMC8962531

Mayo Clinic Laboratories, Mayo Clinic
Classification: Uncertain significance. Last evaluated: 2023-04-20. Review status: criteria provided, single submitter. Criteria: ACMG Guidelines, 2015. Collection method: clinical testing. Allele origin: germline. Observed: 1 variant allele.

GeneDx
Classification: Uncertain significance. Last evaluated: 2023-01-27. Review status: criteria provided, single submitter. Criteria: GeneDx Variant Classification Process June 2021. Collection method: clinical testing. Allele origin: germline. Affected: yes.
Comment: Reported in one family with ARVC (Adler et al., 2016), in one patient with sudden infant death (SIDS) (Neubauer et al., 2017), one patient with DCM (Forleo et al., 2017), and two patients referred for Brugada syndrome (Di Resta et al., 2015); however, additional clinical information was not provided; In silico analysis supports that this missense variant has a deleterious effect on protein structure/function; This variant is associated with the following publications: (PMID: 21636032, 28074886, 26220970, 32906206, 28750076, 26743238, 34033898, 35932045)

Ambry Genetics
Classification: Uncertain significance for Cardiovascular phenotype. Last evaluated: 2022-11-14. Review status: criteria provided, single submitter. Criteria: Ambry Variant Classification Scheme 2023. Collection method: clinical testing. Allele origin: germline.

Fulgent Genetics
Classification: Uncertain significance for Arrhythmogenic right ventricular dysplasia 9. Last evaluated: 2021-12-23. Review status: criteria provided, single submitter. Criteria: ACMG Guidelines, 2015. Collection method: clinical testing. Allele origin: unknown.

Dubai Health Genomic Medicine Center, Dubai Health
Classification: Uncertain significance. Last evaluated: 2019-12-23. Review status: criteria provided, single submitter. Criteria: ACMG Guidelines, 2015. Collection method: clinical testing. Allele origin: germline. Affected: yes.

Illumina Laboratory Services, Illumina
Classification: Uncertain significance for Arrhythmogenic right ventricular dysplasia 9. Last evaluated: 2018-01-13. Review status: criteria provided, single submitter. Criteria: ICSL Variant Classification Criteria 13 December 2019. Collection method: clinical testing. Allele origin: germline.

CHEO Genetics Diagnostic Laboratory, Children's Hospital of Eastern Ontario
Classification: Uncertain significance for Cardiomyopathy. Last evaluated: 2017-11-14. Review status: criteria provided, single submitter. Criteria: ACMG Guidelines, 2015. Collection method: clinical testing. Allele origin: germline.

Breakthrough Genomics
Classification: Uncertain significance. Review status: criteria provided, single submitter. Criteria: ACMG Guidelines, 2015. Collection method: not provided. Allele origin: germline. Inheritance: Autosomal dominant inheritance. Affected: yes.

Knight Diagnostic Laboratories, Oregon Health and Sciences University
Classification: Uncertain significance for Arrhythmogenic right ventricular dysplasia 9. Last evaluated: 2016-01-27. Review status: no assertion criteria provided. Criteria: ACMG Guidelines, 2015. Collection method: clinical testing. Allele origin: germline. Affected: no. Study: CSER-NextGen. Not counted in ClinVar's aggregate classification.

Laboratory for Molecular Medicine, Mass General Brigham Personalized Medicine
Classification: Uncertain significance. Last evaluated: 2008-12-30. Review status: no assertion criteria provided. Collection method: clinical testing. Allele origin: germline. Observed: 2 variant alleles. Not counted in ClinVar's aggregate classification.

Literature cited by the submitters: PubMed 21636032 (cited by Women's Health and Genetics/Laboratory Corporation of America, LabCorp); PubMed 26743238 (cited by 4 submitters); PubMed 26220970 (cited by 3 submitters); PubMed 28074886 (cited by 3 submitters); PubMed 28750076 (cited by 4 submitters); PubMed 32906206 (cited by Women's Health and Genetics/Laboratory Corporation of America, LabCorp); PubMed 36178741 (cited by 3 submitters); PubMed 33552729 (cited by 3 submitters); PubMed 35932045 (cited by Mayo Clinic Laboratories, Mayo Clinic); PubMed 2163603 (cited by Laboratory for Molecular Medicine, Mass General Brigham Personalized Medicine).

NM_001005242.3(PKP2):c.1951C>T (p.Arg651Cys)

Gene: PKP2 (plakophilin 2; minus strand). Cytogenetic location: 12p11.21.
Variant type: single nucleotide variant.
Coding change: c.1951C>T on transcript NM_001005242.3 (MANE Select); coding-DNA position 1951, C replaced by T.
Protein change: p.Arg651Cys; replaces arginine 651 with cysteine.
Molecular consequence: missense variant.
Genome position (GRCh38, 1-based): chr12:32,821,418, G>A on the plus strand (C>T on the coding strand, the complement: PKP2 is on the minus strand). VCF-style: chr12-32821418-G-A. GRCh37 (hg19) VCF-style: chr12-32974352-G-A.
Other names: p.R695C:CGC>TGC; c.2083C>T, p.Arg695Cys (NM_004572.4); short protein forms R695C, R651C.
Identifiers: ClinVar variation 45056 (VCV000045056.58), dbSNP rs199583774, ClinGen allele CA011678.